The following is an entry in ClinVar:

NM_000784.4(CYP27A1):c.1514C>G (p.Thr505Arg)

Gene: CYP27A1 (cytochrome P450 family 27 subfamily A member 1; plus strand). Cytogenetic location: 2q35.
Variant type: single nucleotide variant.
Coding change: c.1514C>G on transcript NM_000784.4 (MANE Select); coding-DNA position 1514, C replaced by G.
Protein change: p.Thr505Arg; replaces threonine 505 with arginine.
Molecular consequence: missense variant.
Genome position (GRCh38, 1-based): chr2:218,814,948, C>G. VCF-style: chr2-218814948-C-G. GRCh37 (hg19) VCF-style: chr2-219679671-C-G.
Other names: short protein forms T505R.
Identifiers: ClinVar variation 4995345 (VCV004995345.1).

ClinVar aggregate classification (germline): Uncertain significance (1 of 4 stars; one submission).

Conditions:
CYP27A1-related disorder. Also called: CYP27A1-related condition.

gnomAD v4.1: 2 of 1,614,222 alleles (0.00012%); highest among the groups gnomAD compares: Non-Finnish European, 0.000085%; no homozygotes.

Submission:

PreventionGenetics, part of Exact Sciences
Classification: Uncertain significance for CYP27A1-related condition. Last evaluated: 2026-05-16. Review status: criteria provided, single submitter. Criteria: ACMG Guidelines, 2015. Collection method: clinical testing. Allele origin: germline.
Comment: The CYP27A1 c.1514C>G variant is predicted to result in the amino acid substitution p.Thr505Arg. To our knowledge, this variant has not been reported in the literature or in a large population database (gnomAD), indicating this variant is rare. At this time, the clinical significance of this variant is uncertain due to the absence of conclusive functional and genetic evidence.